The following is an entry in ClinVar:

NM_000027.4(AGA):c.44T>G (p.Leu15Arg)

Gene: AGA (aspartylglucosaminidase; minus strand). Cytogenetic location: 4q34.3.
Variant type: single nucleotide variant.
Coding change: c.44T>G on transcript NM_000027.4 (MANE Select); coding-DNA position 44, T replaced by G.
Protein change: p.Leu15Arg; replaces leucine 15 with arginine.
Molecular consequence: missense variant. On other transcripts: non-coding transcript variant (1).
Genome position (GRCh38, 1-based): chr4:177,442,332, A>C on the plus strand (T>G on the coding strand, the complement: AGA is on the minus strand). VCF-style: chr4-177442332-A-C. GRCh37 (hg19) VCF-style: chr4-178363486-A-C.
Other names: c.44T>G, p.Leu15Arg (NM_001171988.2); short protein forms L15R.
Identifiers: ClinVar variation 55948 (VCV000055948.2), dbSNP rs386833429, ClinGen allele CA144025.

ClinVar aggregate classification (germline): Likely pathogenic (0 of 4 stars; one submission).

Conditions:
Aspartylglucosaminuria (AGU). Also called: Aspartylglucos-aminuria; Aspartylglucos-amidase (AGA) deficiency; AGA DEFICIENCY; GLYCOASPARAGINASE; GLYCOSYLASPARAGINASE DEFICIENCY. Identifiers: Orphanet 93, MedGen C0268225, MONDO:0008830, OMIM 208400, HP:0012068.

gnomAD v4.1: 3 of 1,614,120 alleles (0.00019%); highest among the groups gnomAD compares: Non-Finnish European, 0.000085%; no homozygotes.

Submission:

Juha Muilu Group; Institute for Molecular Medicine Finland (FIMM)
Classification: Likely pathogenic for Aspartylglycosaminuria. Review status: no assertion criteria provided. Collection method: not provided. Allele origin: unknown.
Comment: FinDis database variant: This variant was not found or characterized by our laboratory, data were collected from public sources: see reference
ClinVar note: Converted during submission from probable-pathogenic to Likely pathogenic.